The following is an entry in ClinVar:

ClinVar aggregate classification (germline): Conflicting classifications of pathogenicity. Review status: criteria provided, conflicting classifications (1 of 4 stars). 2 submissions from 2 submitters: Uncertain significance (1); Likely benign (1). Last evaluated 2024-03-06.

Conditions:
Hereditary cancer-predisposing syndrome. Also called: Neoplastic Syndromes, Hereditary; Hereditary Cancer Syndrome; Tumor predisposition; Hereditary neoplastic syndrome. Identifiers: Orphanet 140162, MedGen C0027672, MeSH D009386, MONDO:0015356.

Submissions (2):

Color Diagnostics, LLC DBA Color Health
Classification: Uncertain significance for Hereditary cancer-predisposing syndrome. Last evaluated: 2024-03-06. Review status: criteria provided, single submitter. Criteria: ACMG Guidelines, 2015. Collection method: clinical testing. Allele origin: germline.
Comment: This missense variant replaces cysteine with tyrosine at codon 711 of the BRCA2 protein. Computational prediction suggests that this variant may not impact protein structure and function (internally defined REVEL score threshold <= 0.5, PMID: 27666373). To our knowledge, functional studies have not been reported for this variant. This variant has not been reported in individuals affected with BRCA2-related disorders in the literature. This variant has not been identified in the general population by the Genome Aggregation Database (gnomAD). The available evidence is insufficient to determine the role of this variant in disease conclusively. Therefore, this variant is classified as a Variant of Uncertain Significance.

University of Washington Department of Laboratory Medicine, University of Washington
Classification: Likely benign for Hereditary cancer-predisposing syndrome. Last evaluated: 2023-03-23. Review status: criteria provided, single submitter. Criteria: Dines et al. (Genet Med. 2020). Collection method: curation. Allele origin: germline.
Comment: Missense variant in a coldspot region where missense variants are very unlikely to be pathogenic (PMID:31911673).

BRCA2 exon 11 coldspot. Reclassification based on statistical prior probability.

NM_000059.4(BRCA2):c.2132G>A (p.Cys711Tyr)

Gene: BRCA2 (BRCA2 DNA repair associated; plus strand). Cytogenetic location: 13q13.1.
Variant type: single nucleotide variant.
Coding change: c.2132G>A on transcript NM_000059.4 (MANE Select); coding-DNA position 2132, G replaced by A.
Protein change: p.Cys711Tyr; replaces cysteine 711 with tyrosine.
Molecular consequence: missense variant.
Genome position (GRCh38, 1-based): chr13:32,336,487, G>A. VCF-style: chr13-32336487-G-A. GRCh37 (hg19) VCF-style: chr13-32910624-G-A.
Other names: short protein forms C711Y.
Identifiers: ClinVar variation 928439 (VCV000928439.7), dbSNP rs2072451032, ClinGen allele CA387770082.